The following is an entry in ClinVar:

ClinVar aggregate classification (germline): Pathogenic. Review status: criteria provided, multiple submitters, no conflicts (2 of 4 stars). 5 submissions from 5 submitters: Pathogenic (5). Last evaluated 2026-01-16.

Conditions:
Cardiomyopathy (CMYO). Also called: Cardiomyopathies. Identifiers: Orphanet 167848, MedGen C0878544, MONDO:0004994, HP:0001638. Inheritance: Various modes of inheritance.
Hypertrophic cardiomyopathy 4. Also called: Familial hypertrophic cardiomyopathy 4. Identifiers: MedGen C1861862, MONDO:0007268, OMIM 115197.
Hypertrophic cardiomyopathy. Also called: HYPERTROPHIC MYOCARDIOPATHY. Identifiers: Orphanet 217569, MedGen C0007194, MeSH D002312, MONDO:0005045, HP:0001639.

gnomAD v4.1: 1 of 1,612,618 alleles (0.000062%); highest among the groups gnomAD compares: Non-Finnish European, 0.000085%; no homozygotes.

Submissions (5):

3billion
Classification: Pathogenic for Hypertrophic cardiomyopathy 4. Last evaluated: 2026-01-16. Review status: criteria provided, single submitter. Criteria: ACMG Guidelines, 2015. Collection method: clinical testing. Allele origin: germline. Affected: yes.
Comment: The variant is observed at an extremely low frequency in the gnomAD v4.1.0 dataset (total allele frequency: <0.001%). Predicted Consequence/Location: Stop-gained (nonsense): predicted to result in a loss or disruption of normal protein function through nonsense-mediated decay (NMD) or protein truncation. Multiple pathogenic variants are reported downstream of the variant. The variant has been reported at least twice as pathogenic with clinical assertions and evidence for the classification (ClinVar ID: VCV000488797 /PMID: 23396983 /3billion dataset). Therefore, this variant is classified as Pathogenic according to the recommendation of ACMG/AMP guideline.

Labcorp Genetics (formerly Invitae), Labcorp
Classification: Pathogenic for Hypertrophic cardiomyopathy. Last evaluated: 2025-02-16. Review status: criteria provided, single submitter. Criteria: Invitae Variant Classification Sherloc (09022015). Collection method: clinical testing. Allele origin: germline.
Comment: This sequence change creates a premature translational stop signal (p.Gln435*) in the MYBPC3 gene. It is expected to result in an absent or disrupted protein product. Loss-of-function variants in MYBPC3 are known to be pathogenic (PMID: 19574547). This variant is not present in population databases (gnomAD no frequency). This premature translational stop signal has been observed in individual(s) with hypertrophic cardiomyopathy (PMID: 23396983). ClinVar contains an entry for this variant (Variation ID: 488797). For these reasons, this variant has been classified as Pathogenic.

GeneDx
Classification: Pathogenic. Last evaluated: 2023-06-05. Review status: criteria provided, single submitter. Criteria: GeneDx Variant Classification Process June 2021. Collection method: clinical testing. Allele origin: germline. Affected: yes.
Comment: Nonsense variant predicted to result in protein truncation or nonsense mediated decay in a gene for which loss-of-function is a known mechanism of disease; Not observed in large population cohorts (gnomAD); This variant is associated with the following publications: (PMID: 27532257, 25985138, 23396983, 25228707, 25351510, 33087929, 35177841)

Color Diagnostics, LLC DBA Color Health
Classification: Pathogenic for Cardiomyopathy. Last evaluated: 2021-02-18. Review status: criteria provided, single submitter. Criteria: ACMG Guidelines, 2015. Collection method: clinical testing. Allele origin: germline.
Comment: This variant changes 1 nucleotide in exon 15 of the MYBPC3 gene, creating a premature translation stop signal. This variant is expected to result in an absent or non-functional protein product. To our knowledge, functional studies have not been reported for this variant. This variant has been reported in two individuals affected with hypertrophic cardiomyopathy (PMID: 23396983, 27532257). This variant has not been identified in the general population by the Genome Aggregation Database (gnomAD). Loss of MYBPC3 function is a known mechanism of disease. Based on the available evidence, this variant is classified as Pathogenic.

Laboratory for Molecular Medicine, Mass General Brigham Personalized Medicine
Classification: Pathogenic for Hypertrophic cardiomyopathy. Last evaluated: 2019-10-14. Review status: criteria provided, single submitter. Criteria: ACMG Guidelines, 2015. Collection method: clinical testing. Allele origin: germline.
Comment: The p.Gln435X variant in MYBPC3 has been reported in 2 individuals with HCM (Lopes 2013, Walsh 2017). It was absent from large population studies but has been reported in ClinVar (Variation ID 488797). This nonsense variant leads to a premature termination codon at position 435, which is predicted to lead to a truncated or absent protein. Loss of function of the MYBPC3 gene is an established disease mechanism in autosomal dominant HCM. In summary, this variant meets criteria to be classified as pathogenic for autosomal dominant HCM. ACMG/AMP criteria applied: PVS1, PM2, PS4_Supporting.

Literature cited by the submitters: PubMed 23396983 (cited by 3 submitters); PubMed 19574547 (cited by Labcorp Genetics (formerly Invitae), Labcorp); PubMed 27532257 (cited by Laboratory for Molecular Medicine, Mass General Brigham Personalized Medicine).

NM_000256.3(MYBPC3):c.1303C>T (p.Gln435Ter)

Gene: MYBPC3 (myosin binding protein C3; minus strand). Cytogenetic location: 11p11.2.
Variant type: single nucleotide variant.
Coding change: c.1303C>T on transcript NM_000256.3 (MANE Select); coding-DNA position 1303, C replaced by T.
Protein change: p.Gln435Ter; replaces glutamine 435 with a stop codon.
Molecular consequence: nonsense.
Genome position (GRCh38, 1-based): chr11:47,343,069, G>A on the plus strand (C>T on the coding strand, the complement: MYBPC3 is on the minus strand). VCF-style: chr11-47343069-G-A. GRCh37 (hg19) VCF-style: chr11-47364620-G-A.
Other names: c.1303C>T, p.Gln435Ter (LRG_386t1); short protein forms Q435*.
Identifiers: ClinVar variation 488797 (VCV000488797.14), dbSNP rs1432810664, ClinGen allele CA380327136.
Genomic context (GRCh38, chr11:47,343,069, plus strand): 5'-TCCCAGGCCCACCTTTCACAAAGAGCTCCGTGCTACACTTCTCGCCACCCACCACGCACT[G>A]GTAGGCTGCGTCGTCCGCCAATGAGCACTGGCTGATGGTCAGGGTACGCTTGGCACCGAT-3'